The following is an entry in ClinVar:

NM_001267550.2(TTN):c.30742A>G (p.Thr10248Ala)

Gene: TTN (titin; minus strand). Cytogenetic location: 2q31.2.
Variant type: single nucleotide variant.
Coding change: c.30742A>G on transcript NM_001267550.2 (MANE Select); coding-DNA position 30742, A replaced by G.
Protein change: p.Thr10248Ala; replaces threonine 10248 with alanine.
Molecular consequence: missense variant. On other transcripts: intron variant (3).
Genome position (GRCh38, 1-based): chr2:178,698,855, T>C on the plus strand (A>G on the coding strand, the complement: TTN is on the minus strand). VCF-style: chr2-178698855-T-C. GRCh37 (hg19) VCF-style: chr2-179563582-T-C.
Other names: c.29791A>G, p.Thr9931Ala (NM_001256850.1); c.27010A>G, p.Thr9004Ala (NM_133378.4); c.13282+39227A>G (NM_003319.4); c.13858+39227A>G (NM_133437.4); c.13657+39227A>G (NM_133432.3); short protein forms T10248A, T9004A, T9931A.
Identifiers: ClinVar variation 3766836 (VCV003766836.2).
Genomic context (GRCh38, chr2:178,698,855, plus strand): 5'-TTGGCCAAGAAAAAAGTGTTAAGACTGCTTTTTGATTAATTATAATACCTTCACGTGGTG[T>C]CATCTCTTTGGGCTTTGCAACAACTTTTTTGGCATCTTTCTTCACAGCCTTTTTGGTAAC-3'
Protein context (NP_001254479.2, residues 10238-10258): KKVVAKPKEM[Thr10248Ala]PREEIVKKPP

ClinVar aggregate classification (germline): Uncertain significance. Review status: criteria provided, multiple submitters, no conflicts (2 of 4 stars). 2 submissions from 2 submitters: Uncertain significance (2). Last evaluated 2026-04-30.

Conditions:
TTN-related disorder. Also called: TTN-related disorders; TTN-related condition; TTN-related disease.

gnomAD v4.1: 3 of 1,542,924 alleles (0.00019%); highest among the groups gnomAD compares: African/African-American, 0.0041%; no homozygotes.

Submissions (2):

PreventionGenetics, part of Exact Sciences
Classification: Uncertain significance for TTN-related condition. Last evaluated: 2026-04-30. Review status: criteria provided, single submitter. Criteria: ACMG Guidelines, 2015. Collection method: clinical testing. Allele origin: germline.
Comment: The TTN c.30742A>G variant is predicted to result in the amino acid substitution p.Thr10248Ala. To our knowledge, this variant has not been reported in the literature. This variant is reported in 0.0059% of alleles in individuals of African descent in gnomAD. At this time, the clinical significance of this variant is uncertain due to the absence of conclusive functional and genetic evidence.

ARUP Laboratories, Molecular Genetics and Genomics, ARUP Laboratories
Classification: Uncertain significance. Last evaluated: 2024-09-16. Review status: criteria provided, single submitter. Criteria: ARUP Molecular Germline Variant Investigation Process 2024. Collection method: clinical testing. Allele origin: germline.
Comment: The TTN c.30742A>G; p.Thr10248Ala variant (rs376923242) is rare in the general population (<0.2% allele frequency in the Genome Aggregation Database) and has not been reported in the medical literature in association with dilated cardiomyopathy (DCM) or other TTN-related disease. The clinical relevance of rare missense variants in this gene, which are identified on average once per individual sequenced in affected populations (Herman 2012), is not well understood. Yet, evidence suggests that the vast majority of such missense variants do not contribute to the clinical outcome of DCM (Begay 2015). Thus, the clinical significance of the p.Thr10248Ala variant cannot be determined with certainty. References: Begay RL et al. Role of Titin Missense Variants in Dilated Cardiomyopathy. J Am Heart Assoc. 2015 Nov 13;4(11). PMID: 26567375. Herman DS et al. Truncations of titin causing dilated cardiomyopathy. N Engl J Med. 2012 Feb 16;366(7):619-28. PMID: 22335739. Linke WA and Hamdani N. Gigantic business: titin properties and function through thick and thin. Circ Res 2014; 114(6): 1052-1068. PMID: 24625729.